The following is an entry in ClinVar:

NM_004370.6(COL12A1):c.1050T>C (p.Val350=)

Gene: COL12A1 (collagen type XII alpha 1 chain; minus strand). Cytogenetic location: 6q13.
Variant type: single nucleotide variant.
Coding change: c.1050T>C on transcript NM_004370.6 (MANE Select); coding-DNA position 1050, T replaced by C.
Protein change: p.Val350=; no amino-acid change (valine 350 retained).
Molecular consequence: synonymous variant. On other transcripts: intron variant (1).
Genome position (GRCh38, 1-based): chr6:75,184,092, A>G on the plus strand (T>C on the coding strand, the complement: COL12A1 is on the minus strand). VCF-style: chr6-75184092-A-G. GRCh37 (hg19) VCF-style: chr6-75893808-A-G.
Other names: c.1050T>C (NM_004370.5); c.73+18628T>C (NM_080645.3).
Identifiers: ClinVar variation 1121365 (VCV001121365.11), dbSNP rs372113789, ClinGen allele CA3894273.
Genomic context (GRCh38, chr6:75,184,092, plus strand): 5'-TGGTGTGAGGATGACTTTGTAGCCAGTCACTGGACTAGGAGATGGATTCCAATTTAGCTT[A>G]ACATATTTTGAAGAGACTTCCATGGCAATCAAATTTGAAGGAGGCTCAACAACTAAAAAG-3'
Protein context (NP_004361.3, residues 340-360): LIAMEVSSKY[Val350=]KLNWNPSPSP

ClinVar aggregate classification (germline): Likely benign. Review status: criteria provided, single submitter (1 of 4 stars). 2 submissions from 2 submitters: Likely benign (1). 1 of the submissions does not count toward it. Last evaluated 2025-12-15.

Conditions:
Ullrich congenital muscular dystrophy 2 (UCMD2). Identifiers: Orphanet 75840, MedGen C4225314, MONDO:0014654, OMIM 616470.
Bethlem myopathy 2 (BTHLM2). Identifiers: Orphanet 536516, Orphanet 610, MedGen C4225313, MONDO:0034022, OMIM 616471.
COL12A1-related disorder. Also called: COL12A1-related condition.

Allele frequency attached by ClinVar (database versions not stated): gnomAD exomes 0.00004 and 0.00001; gnomAD 0.00009 and 0.00010; TOPMed 0.00013; ESP Exome Variant Server 0.00033; ExAC 0.00004.
gnomAD v4.1: 38 of 1,614,174 alleles (0.0024%); highest among the groups gnomAD compares: African/African-American, 0.036%; no homozygotes.

Submissions (2):

Labcorp Genetics (formerly Invitae), Labcorp
Classification: Likely benign for Bethlem myopathy 2; Ullrich congenital muscular dystrophy 2. Last evaluated: 2025-12-15. Review status: criteria provided, single submitter. Criteria: Invitae Variant Classification Sherloc (09022015). Collection method: clinical testing. Allele origin: germline.

PreventionGenetics, part of Exact Sciences
Classification: Likely benign for COL12A1-related condition. Last evaluated: 2020-01-17. Review status: no assertion criteria provided. Collection method: clinical testing. Allele origin: germline. Not counted in ClinVar's aggregate classification.
Comment: This variant is classified as likely benign based on ACMG/AMP sequence variant interpretation guidelines (Richards et al. 2015 PMID: 25741868, with internal and published modifications).